The following is an entry in ClinVar:

NM_001868.4(CPA1):c.901G>C (p.Ala301Pro)

Gene: CPA1 (carboxypeptidase A1; plus strand). Cytogenetic location: 7q32.2.
Variant type: single nucleotide variant.
Coding change: c.901G>C on transcript NM_001868.4 (MANE Select); coding-DNA position 901, G replaced by C.
Protein change: p.Ala301Pro; replaces alanine 301 with proline.
Molecular consequence: missense variant.
Genome position (GRCh38, 1-based): chr7:130,385,259, G>C. VCF-style: chr7-130385259-G-C. GRCh37 (hg19) VCF-style: chr7-130025100-G-C.
Other names: short protein forms A301P.
Identifiers: ClinVar variation 3496229 (VCV003496229.1).
Genomic context (GRCh38, chr7:130,385,259, plus strand): 5'-AATTCCGAAGTGGAGGTCAAGTCCATTGTAGACTTTGTGAAGGACCATGGGAACATCAAG[G>C]CCTTCATCTCCATCCACAGCTACTCCCAGCTCCTCATGTATCCCTATGGCTACAAAACAG-3'
Protein context (NP_001859.1, residues 291-311): DFVKDHGNIK[Ala301Pro]FISIHSYSQL

ClinVar aggregate classification (germline): Uncertain significance (1 of 4 stars; one submission).

Conditions:
Hereditary pancreatitis (PCTT). Also called: Hereditary chronic pancreatitis; PRSS1-Related Hereditary Pancreatitis. Identifiers: Orphanet 676, MedGen C0238339, MONDO:0008185, OMIM 167800.

gnomAD v4.1: 1 of 1,614,126 alleles (0.000062%); highest among the groups gnomAD compares: Non-Finnish European, 0.000085%; no homozygotes.

Submission:

Ambry Genetics
Classification: Uncertain significance for Hereditary pancreatitis. Last evaluated: 2024-12-02. Review status: criteria provided, single submitter. Criteria: Ambry Variant Classification Scheme 2023. Collection method: clinical testing. Allele origin: germline.
Comment: The p.A301P variant (also known as c.901G>C), located in coding exon 8 of the CPA1 gene, results from a G to C substitution at nucleotide position 901. The alanine at codon 301 is replaced by proline, an amino acid with highly similar properties. This amino acid position is conserved. In addition, the in silico prediction for this alteration is inconclusive. Based on the available evidence, the clinical significance of this variant remains unclear.